The following is an entry in ClinVar:

NM_007254.4(PNKP):c.1264G>C (p.Asp422His)

Gene: PNKP (polynucleotide kinase 3'-phosphatase; minus strand). Cytogenetic location: 19q13.33.
Variant type: single nucleotide variant.
Coding change: c.1264G>C on transcript NM_007254.4 (MANE Select); coding-DNA position 1264, G replaced by C.
Protein change: p.Asp422His; replaces aspartic acid 422 with histidine.
Molecular consequence: missense variant.
Genome position (GRCh38, 1-based): chr19:49,861,806, C>G on the plus strand (G>C on the coding strand, the complement: PNKP is on the minus strand). VCF-style: chr19-49861806-C-G. GRCh37 (hg19) VCF-style: chr19-50365063-C-G.
Other names: short protein forms D422H.
Identifiers: ClinVar variation 2907275 (VCV002907275.3), dbSNP rs1402529044, ClinGen allele CA406933461.

ClinVar aggregate classification (germline): Uncertain significance (1 of 4 stars; one submission).

Conditions:
Developmental and epileptic encephalopathy, 12 (DEE12). Identifiers: MedGen C3150988, MONDO:0013389, OMIM 613722.

gnomAD v4.1: 2 of 1,578,400 alleles (0.00013%); highest among the groups gnomAD compares: Non-Finnish European, 0.00017%; no homozygotes.

Submission:

Labcorp Genetics (formerly Invitae), Labcorp
Classification: Uncertain significance for Developmental and epileptic encephalopathy, 12. Last evaluated: 2023-06-29. Review status: criteria provided, single submitter. Criteria: Invitae Variant Classification Sherloc (09022015). Collection method: clinical testing. Allele origin: germline.
Comment: In summary, the available evidence is currently insufficient to determine the role of this variant in disease. Therefore, it has been classified as a Variant of Uncertain Significance. Advanced modeling of protein sequence and biophysical properties (such as structural, functional, and spatial information, amino acid conservation, physicochemical variation, residue mobility, and thermodynamic stability) performed at Invitae indicates that this missense variant is expected to disrupt PNKP protein function. This sequence change replaces aspartic acid, which is acidic and polar, with histidine, which is basic and polar, at codon 422 of the PNKP protein (p.Asp422His). This variant is present in population databases (no rsID available, gnomAD 0.001%). This variant has not been reported in the literature in individuals affected with PNKP-related conditions.